The following is an entry in ClinVar:

NM_172351.3(CD46):c.620C>T (p.Thr207Met)

Gene: CD46 (CD46 molecule; plus strand). Cytogenetic location: 1q32.2.
Variant type: single nucleotide variant.
Coding change: c.620C>T on transcript NM_172351.3 (MANE Select); coding-DNA position 620, C replaced by T.
Protein change: p.Thr207Met; replaces threonine 207 with methionine.
Molecular consequence: missense variant.
Genome position (GRCh38, 1-based): chr1:207,761,393, C>T. VCF-style: chr1-207761393-C-T. GRCh37 (hg19) VCF-style: chr1-207934738-C-T.
Other names: p.Thr207Met; c.620C>T, p.Thr207Met (NM_002389.4, NM_153826.4, NM_172350.3 and 8 more transcripts); short protein forms T207M.
Identifiers: ClinVar variation 1449764 (VCV001449764.8), dbSNP rs546619508, ClinGen allele CA1371686.

ClinVar aggregate classification (germline): Uncertain significance. Review status: criteria provided, multiple submitters, no conflicts (2 of 4 stars). 4 submissions from 4 submitters: Uncertain significance (4). Last evaluated 2025-10-02.

Conditions:
CD46-related disorder. Also called: CD46-related condition.
Atypical hemolytic-uremic syndrome. Identifiers: Orphanet 2134, MedGen C2931788, MONDO:0016244.

Allele frequency attached by ClinVar (database versions not stated): gnomAD exomes 0.00001 and 0.00003; gnomAD 0.00002 and 0.00003; ExAC 0.00005; TOPMed 0.00005; 1000 Genomes Project 0.00020; 1000 Genomes Project 30x 0.00047.
gnomAD v4.1: 23 of 1,614,016 alleles (0.0014%); highest among the groups gnomAD compares: Middle Eastern, 0.016%; no homozygotes.

Submissions (4):

Genomenon, Inc
Classification: Uncertain significance for Atypical hemolytic-uremic syndrome. Last evaluated: 2025-10-02. Review status: criteria provided, single submitter. Criteria: Genomenon Sequence Variant Interpretation Standards. Collection method: curation. Allele origin: germline. Affected: yes.
Comment: CD46 p.Thr207Met (c.620C>T) is a missense variant that changes the amino acid at residue 207 from Threonine to Methionine. This variant has been observed in at least one proband affected with atypical hemolytic-uremic syndrome (PMID:37744338). It is absent or not present at a significant frequency in gnomAD. In silico models agree that this variant is not damaging. In conclusion, we classify CD46 p.Thr207Met (c.620C>T) as a variant of uncertain significance.

Labcorp Genetics (formerly Invitae), Labcorp
Classification: Uncertain significance. Last evaluated: 2025-01-30. Review status: criteria provided, single submitter. Criteria: Invitae Variant Classification Sherloc (09022015). Collection method: clinical testing. Allele origin: germline.
Comment: This sequence change replaces threonine, which is neutral and polar, with methionine, which is neutral and non-polar, at codon 207 of the CD46 protein (p.Thr207Met). This variant is present in population databases (rs546619508, gnomAD 0.006%). This missense change has been observed in individual(s) with atypical hemolytic uremic syndrom (PMID: 37744338). ClinVar contains an entry for this variant (Variation ID: 1449764). Invitae Evidence Modeling of protein sequence and biophysical properties (such as structural, functional, and spatial information, amino acid conservation, physicochemical variation, residue mobility, and thermodynamic stability) indicates that this missense variant is not expected to disrupt CD46 protein function with a negative predictive value of 80%. In summary, the available evidence is currently insufficient to determine the role of this variant in disease. Therefore, it has been classified as a Variant of Uncertain Significance.

Mayo Clinic Laboratories, Mayo Clinic
Classification: Uncertain significance. Last evaluated: 2024-02-28. Review status: criteria provided, single submitter. Criteria: ACMG Guidelines, 2015. Collection method: clinical testing. Allele origin: germline. Observed: 1 variant allele.
Comment: BP4_strong

PreventionGenetics, part of Exact Sciences
Classification: Uncertain significance for CD46-related condition. Last evaluated: 2023-05-05. Review status: criteria provided, single submitter. Criteria: ACMG Guidelines, 2015. Collection method: clinical testing. Allele origin: germline.
Comment: The CD46 c.620C>T variant is predicted to result in the amino acid substitution p.Thr207Met. To our knowledge, this variant has not been reported in the literature. This variant is reported in 0.0065% of alleles in individuals of South Asian descent in gnomAD. At this time, the clinical significance of this variant is uncertain due to the absence of conclusive functional and genetic evidence.

Literature cited by the submitters: PubMed 37744338 (cited by 3 submitters).